The following is an entry in ClinVar:

NM_005188.4(CBL):c.1471G>A (p.Ala491Thr)

Gene: CBL (Cbl proto-oncogene; plus strand). Cytogenetic location: 11q23.3.
Variant type: single nucleotide variant.
Coding change: c.1471G>A on transcript NM_005188.4 (MANE Select); coding-DNA position 1471, G replaced by A.
Protein change: p.Ala491Thr; replaces alanine 491 with threonine.
Molecular consequence: missense variant.
Genome position (GRCh38, 1-based): chr11:119,285,008, G>A. VCF-style: chr11-119285008-G-A. GRCh37 (hg19) VCF-style: chr11-119155718-G-A.
Other names: short protein forms A491T.
Identifiers: ClinVar variation 2827597 (VCV002827597.3), dbSNP rs369656948, ClinGen allele CA6318537.

ClinVar aggregate classification (germline): Uncertain significance (1 of 4 stars; one submission).

Conditions:
RASopathy. Also called: rasopathies; Noonan spectrum disorder. Identifiers: Orphanet 536391, MedGen C5555857, MONDO:0021060.

Allele frequency attached by ClinVar (database versions not stated): TOPMed below 0.00001; ExAC 0.00001; gnomAD 0.00001; ESP Exome Variant Server 0.00008.
gnomAD v4.1: 1 of 1,614,010 alleles (0.000062%); highest among the groups gnomAD compares: African/African-American, 0.0013%; no homozygotes.

Submission:

Labcorp Genetics (formerly Invitae), Labcorp
Classification: Uncertain significance for RASopathy. Last evaluated: 2023-01-10. Review status: criteria provided, single submitter. Criteria: Invitae Variant Classification Sherloc (09022015). Collection method: clinical testing. Allele origin: germline.
Comment: In summary, the available evidence is currently insufficient to determine the role of this variant in disease. Therefore, it has been classified as a Variant of Uncertain Significance. Advanced modeling of protein sequence and biophysical properties (such as structural, functional, and spatial information, amino acid conservation, physicochemical variation, residue mobility, and thermodynamic stability) performed at Invitae indicates that this missense variant is not expected to disrupt CBL protein function. This variant has not been reported in the literature in individuals affected with CBL-related conditions. This variant is present in population databases (rs369656948, gnomAD 0.007%). This sequence change replaces alanine, which is neutral and non-polar, with threonine, which is neutral and polar, at codon 491 of the CBL protein (p.Ala491Thr).